The following is an entry in ClinVar:

NM_052845.4(MMAB):c.463C>T (p.Gln155Ter)

Gene: MMAB (metabolism of cobalamin associated B; minus strand). Cytogenetic location: 12q24.11.
Variant type: single nucleotide variant.
Coding change: c.463C>T on transcript NM_052845.4 (MANE Select); coding-DNA position 463, C replaced by T.
Protein change: p.Gln155Ter; replaces glutamine 155 with a stop codon.
Molecular consequence: nonsense. On other transcripts: non-coding transcript variant (1).
Genome position (GRCh38, 1-based): chr12:109,561,476, G>A on the plus strand (C>T on the coding strand, the complement: MMAB is on the minus strand). VCF-style: chr12-109561476-G-A. GRCh37 (hg19) VCF-style: chr12-109999281-G-A.
Other names: short protein forms Q155*.
Identifiers: ClinVar variation 2865374 (VCV002865374.3), dbSNP rs2548604750, ClinGen allele CA386637436.

ClinVar aggregate classification (germline): Pathogenic (1 of 4 stars; one submission).

Conditions:
Methylmalonic aciduria, cblB type (MACB). Also called: Vitamin B12-responsive methylmalonic acidemia type cblB; Methylmalonic acidemia cblB type; METHYLMALONIC ACIDURIA, VITAMIN B12-RESPONSIVE, DUE TO DEFECT IN SYNTHESIS OF ADENOSYLCOBALAMIN, cblB TYPE. Identifiers: Orphanet 28, Orphanet 79311, MedGen C1855102, MONDO:0009614, OMIM 251110.

Submission:

Labcorp Genetics (formerly Invitae), Labcorp
Classification: Pathogenic for Methylmalonic aciduria, cblB type. Last evaluated: 2023-05-18. Review status: criteria provided, single submitter. Criteria: Invitae Variant Classification Sherloc (09022015). Collection method: clinical testing. Allele origin: germline.
Comment: For these reasons, this variant has been classified as Pathogenic. This variant has not been reported in the literature in individuals affected with MMAB-related conditions. This variant is not present in population databases (gnomAD no frequency). This sequence change creates a premature translational stop signal (p.Gln155*) in the MMAB gene. It is expected to result in an absent or disrupted protein product. Loss-of-function variants in MMAB are known to be pathogenic (PMID: 15781192, 16410054).

Literature cited by the submitters: PubMed 15781192; PubMed 16410054.